The following is an entry in ClinVar:

ClinVar aggregate classification (germline): Uncertain significance (1 of 4 stars; one submission).

Submission:

Labcorp Genetics (formerly Invitae), Labcorp
Classification: Uncertain significance. Last evaluated: 2021-10-04. Review status: criteria provided, single submitter. Criteria: Invitae Variant Classification Sherloc (09022015). Collection method: clinical testing. Allele origin: germline.
Comment: In summary, the available evidence is currently insufficient to determine the role of this variant in disease. Therefore, it has been classified as a Variant of Uncertain Significance. Algorithms developed to predict the effect of missense changes on protein structure and function are either unavailable or do not agree on the potential impact of this missense change (SIFT: "Not Available"; PolyPhen-2: "Possibly Damaging"; Align-GVGD: "Not Available"). This variant has not been reported in the literature in individuals affected with IFT52-related conditions. This variant is not present in population databases (ExAC no frequency). This sequence change replaces threonine with isoleucine at codon 97 of the IFT52 protein (p.Thr97Ile). The threonine residue is highly conserved and there is a moderate physicochemical difference between threonine and isoleucine.

NM_016004.5(IFT52):c.290C>T (p.Thr97Ile)

Gene: IFT52 (intraflagellar transport 52; plus strand). Cytogenetic location: 20q13.12.
Variant type: single nucleotide variant.
Coding change: c.290C>T on transcript NM_016004.5 (MANE Select); coding-DNA position 290, C replaced by T.
Protein change: p.Thr97Ile; replaces threonine 97 with isoleucine.
Molecular consequence: missense variant. On other transcripts: 5 prime UTR variant (4).
Genome position (GRCh38, 1-based): chr20:43,603,842, C>T. VCF-style: chr20-43603842-C-T. GRCh37 (hg19) VCF-style: chr20-42232482-C-T.
Other names: c.290C>T, p.Thr97Ile (NM_001303458.3, NM_001303459.3); c.-382C>T (NM_001323578.2, NM_001323580.2); c.-475C>T (NM_001323579.2, NM_001323581.2); short protein forms T97I.
Identifiers: ClinVar variation 1446904 (VCV001446904.6), dbSNP rs2145598803, ClinGen allele CA409083824.